The following is an entry in ClinVar:

NM_001197104.2(KMT2A):c.4244G>A (p.Trp1415Ter)

Gene: KMT2A (lysine methyltransferase 2A; plus strand). Cytogenetic location: 11q23.3.
Variant type: single nucleotide variant.
Coding change: c.4244G>A on transcript NM_001197104.2 (MANE Select); coding-DNA position 4244, G replaced by A.
Protein change: p.Trp1415Ter; replaces tryptophan 1415 with a stop codon.
Molecular consequence: nonsense.
Genome position (GRCh38, 1-based): chr11:118,484,887, G>A. VCF-style: chr11-118484887-G-A. GRCh37 (hg19) VCF-style: chr11-118355602-G-A.
Other names: c.4343G>A, p.Trp1448Ter (NM_001412597.1); c.4244G>A, p.Trp1415Ter (NM_005933.4); short protein forms W1415*, W1448*.
Identifiers: ClinVar variation 2701981 (VCV002701981.3), dbSNP rs2496884567, ClinGen allele CA382830725.
Genomic context (GRCh38, chr11:118,484,887, plus strand): 5'-TAAAACTTTCCTAAGTGACCTTTCTCTCTCCACAGGAGGATTGTGAAGCAGAAAATGTGT[G>A]GGAGATGGGAGGCTTAGGAATCTTGACTTCTGTTCCTATAACACCCAGGGTGGTTTGCTT-3'

ClinVar aggregate classification (germline): Pathogenic (1 of 4 stars; one submission).

Submission:

Labcorp Genetics (formerly Invitae), Labcorp
Classification: Pathogenic. Last evaluated: 2025-07-07. Review status: criteria provided, single submitter. Criteria: Invitae Variant Classification Sherloc (09022015). Collection method: clinical testing. Allele origin: germline.
Comment: This sequence change creates a premature translational stop signal (p.Trp1415*) in the KMT2A gene. It is expected to result in an absent or disrupted protein product. Loss-of-function variants in KMT2A are known to be pathogenic (PMID: 22795537, 25810209, 29574747). This variant is not present in population databases (gnomAD no frequency). This variant has not been reported in the literature in individuals affected with KMT2A-related conditions. ClinVar contains an entry for this variant (Variation ID: 2701981). For these reasons, this variant has been classified as Pathogenic.

Literature cited by the submitters: PubMed 22795537; PubMed 25810209; PubMed 29574747.